The following is an entry in ClinVar:

ClinVar aggregate classification (germline): Likely pathogenic (1 of 4 stars; one submission).

Conditions:
Familial thoracic aortic aneurysm and aortic dissection (TAAD). Also called: Thoracic aortic aneurysms and dissections. Identifiers: Orphanet 91387, MedGen C4707243, MONDO:0019625.
Marfan syndrome (MFS). Also called: FBN1-Related Marfan Syndrome; Marfan's syndrome; MARFAN SYNDROME, TYPE I; Marfan syndrome type 1; Marfan syndrome, classic. Identifiers: Orphanet 284963, Orphanet 558, MedGen C0024796, MONDO:0007947, OMIM 154700.

Submission:

Labcorp Genetics (formerly Invitae), Labcorp
Classification: Likely pathogenic for Marfan syndrome; Familial thoracic aortic aneurysm and aortic dissection. Last evaluated: 2019-04-09. Review status: criteria provided, single submitter. Criteria: Invitae Variant Classification Sherloc (09022015). Collection method: clinical testing. Allele origin: germline.
Comment: In summary, the currently available evidence indicates that the variant is pathogenic, but additional data are needed to prove that conclusively. Therefore, this variant has been classified as Likely Pathogenic. This variant disrupts the p.Cys2406 amino acid residue in FBN1. Other variant(s) that disrupt this residue have been observed in individuals with FBN1-related conditions (PMID: 11700157), which suggests that this may be a clinically significant amino acid residue. This variant affects a cysteine residue in the EGF-like, TGFBP or hybrid motif domains of FBN1. Cysteine residues are believed to be involved in intramolecular disulfide bridges and have been shown to be important for FBN1 protein structure (PMID: 16905551, 19349279). In addition, missense substitutions affecting cysteine residues within these domains are significantly overrepresented among patients with Marfan syndrome (PMID: 16571647, 17701892). This variant is not present in population databases (ExAC no frequency). This sequence change replaces cysteine with arginine at codon 2406 of the FBN1 protein (p.Cys2406Arg). The cysteine residue is highly conserved and there is a large physicochemical difference between cysteine and arginine.

Literature cited by the submitters: PubMed 11700157; PubMed 16905551; PubMed 19349279; PubMed 16571647; PubMed 17701892.

NM_000138.5(FBN1):c.7216T>C (p.Cys2406Arg)

Gene: FBN1 (fibrillin 1; minus strand). Cytogenetic location: 15q21.1.
Variant type: single nucleotide variant.
Coding change: c.7216T>C on transcript NM_000138.5 (MANE Select); coding-DNA position 7216, T replaced by C.
Protein change: p.Cys2406Arg; replaces cysteine 2406 with arginine.
Molecular consequence: missense variant.
Genome position (GRCh38, 1-based): chr15:48,425,853, A>G on the plus strand (T>C on the coding strand, the complement: FBN1 is on the minus strand). VCF-style: chr15-48425853-A-G. GRCh37 (hg19) VCF-style: chr15-48718050-A-G.
Other names: short protein forms C2406R.
Identifiers: ClinVar variation 842263 (VCV000842263.9), dbSNP rs2042976167, ClinGen allele CA392328828.
Genomic context (GRCh38, chr15:48,425,853, plus strand): 5'-GATATGATCCTCTGTCATTGACACATTCCCCATTTCGGCAAACATCGTGAATAACCTTGC[A>G]TTCATCGATATCTGTAATTTAACAAATATAAATTAAGAAATATATCATAAAATTGACAAC-3'
Protein context (NP_000129.3, residues 2396-2416): FMTNGADIDE[Cys2406Arg]KVIHDVCRNG